The following is an entry in ClinVar:

ClinVar aggregate classification (germline): Likely benign. Review status: criteria provided, multiple submitters, no conflicts (2 of 4 stars). 3 submissions from 3 submitters: Likely benign (3). Last evaluated 2025-03-07.

Allele frequency attached by ClinVar (database versions not stated): TOPMed 0.00001; gnomAD 0.00002; gnomAD exomes 0.00003; ExAC 0.00004.
gnomAD v4.1: 21 of 1,582,932 alleles (0.0013%); highest among the groups gnomAD compares: East Asian, 0.0046%; no homozygotes.

Submissions (3):

Labcorp Genetics (formerly Invitae), Labcorp
Classification: Likely benign. Last evaluated: 2025-03-07. Review status: criteria provided, single submitter. Criteria: Invitae Variant Classification Sherloc (09022015). Collection method: clinical testing. Allele origin: germline.

Blueprint Genetics
Classification: Likely benign. Last evaluated: 2021-04-01. Review status: criteria provided, single submitter. Criteria: ACMG Guidelines, 2015. Collection method: clinical testing. Allele origin: germline.

GeneDx
Classification: Likely benign. Last evaluated: 2017-06-01. Review status: criteria provided, single submitter. Criteria: GeneDx Variant Classification (06012015). Collection method: clinical testing. Allele origin: germline. Affected: yes.
Comment: This variant is considered likely benign or benign based on one or more of the following criteria: it is a conservative change, it occurs at a poorly conserved position in the protein, it is predicted to be benign by multiple in silico algorithms, and/or has population frequency not consistent with disease.

NM_018993.4(RIN2):c.1209C>T (p.Ala403=)

Gene: RIN2 (Ras and Rab interactor 2; plus strand). Cytogenetic location: 20p11.23.
Variant type: single nucleotide variant.
Coding change: c.1209C>T on transcript NM_018993.4 (MANE Select); coding-DNA position 1209, C replaced by T.
Protein change: p.Ala403=; no amino-acid change (alanine 403 retained).
Molecular consequence: synonymous variant.
Genome position (GRCh38, 1-based): chr20:19,975,234, C>T. VCF-style: chr20-19975234-C-T. GRCh37 (hg19) VCF-style: chr20-19955878-C-T.
Other names: c.1356C>T, p.Ala452= (NM_001242581.2); c.591C>T, p.Ala197= (NM_001378238.1).
Identifiers: ClinVar variation 510080 (VCV000510080.11), dbSNP rs764894078, ClinGen allele CA9780035.